The following is an entry in ClinVar:

ClinVar aggregate classification (germline): Conflicting classifications of pathogenicity. Review status: criteria provided, conflicting classifications (1 of 4 stars). 3 submissions from 3 submitters: Uncertain significance (2); Likely benign (1). Last evaluated 2026-06-01.

Conditions:
Inborn genetic diseases. Identifiers: MedGen C0950123, MeSH D030342.

Allele frequency attached by ClinVar (database versions not stated): ExAC 0.00011; gnomAD exomes 0.00012 and 0.00017; gnomAD 0.00015; TOPMed 0.00016; ESP Exome Variant Server 0.00025.
gnomAD v4.1: 295 of 1,613,996 alleles (0.018%); highest among the groups gnomAD compares: Non-Finnish European, 0.022%; 2 homozygotes.

Submissions (3):

CeGaT Center for Human Genetics Tuebingen
Classification: Likely benign. Last evaluated: 2026-06-01. Review status: criteria provided, single submitter. Criteria: CeGaT Center For Human Genetics Tuebingen Variant Classification Criteria Version 2. Collection method: clinical testing. Allele origin: germline. Affected: yes. Observed: 1 variant allele.
Comment: POLR1A: BP4

Labcorp Genetics (formerly Invitae), Labcorp
Classification: Uncertain significance. Last evaluated: 2025-10-26. Review status: criteria provided, single submitter. Criteria: Invitae Variant Classification Sherloc (09022015). Collection method: clinical testing. Allele origin: germline.
Comment: This sequence change replaces tyrosine, which is neutral and polar, with cysteine, which is neutral and slightly polar, at codon 1554 of the POLR1A protein (p.Tyr1554Cys). This variant is present in population databases (rs377467532, gnomAD 0.02%). This variant has not been reported in the literature in individuals affected with POLR1A-related conditions. ClinVar contains an entry for this variant (Variation ID: 1414101). Invitae Evidence Modeling of protein sequence and biophysical properties (such as structural, functional, and spatial information, amino acid conservation, physicochemical variation, residue mobility, and thermodynamic stability) indicates that this missense variant is not expected to disrupt POLR1A protein function with a negative predictive value of 80%. In summary, the available evidence is currently insufficient to determine the role of this variant in disease. Therefore, it has been classified as a Variant of Uncertain Significance.

Ambry Genetics
Classification: Uncertain significance for Inborn genetic diseases. Last evaluated: 2024-07-05. Review status: criteria provided, single submitter. Criteria: Ambry Variant Classification Scheme 2023. Collection method: clinical testing. Allele origin: germline.

NM_015425.6(POLR1A):c.4661A>G (p.Tyr1554Cys)

Gene: POLR1A (RNA polymerase I subunit A; minus strand). Cytogenetic location: 2p11.2.
Variant type: single nucleotide variant.
Coding change: c.4661A>G on transcript NM_015425.6 (MANE Select); coding-DNA position 4661, A replaced by G.
Protein change: p.Tyr1554Cys; replaces tyrosine 1554 with cysteine.
Molecular consequence: missense variant.
Genome position (GRCh38, 1-based): chr2:86,030,314, T>C on the plus strand (A>G on the coding strand, the complement: POLR1A is on the minus strand). VCF-style: chr2-86030314-T-C. GRCh37 (hg19) VCF-style: chr2-86257437-T-C.
Other names: c.4661A>G (NM_015425.3); short protein forms Y1554C.
Identifiers: ClinVar variation 1414101 (VCV001414101.9), dbSNP rs377467532, ClinGen allele CA1745433.